The following is an entry in ClinVar:

ClinVar aggregate classification (germline): Likely benign (1 of 4 stars; one submission).

Allele frequency attached by ClinVar (database versions not stated): gnomAD 0.00136.

Submission:

CeGaT Center for Human Genetics Tuebingen
Classification: Likely benign. Last evaluated: 2023-01-01. Review status: criteria provided, single submitter. Criteria: CeGaT Center For Human Genetics Tuebingen Variant Classification Criteria Version 2. Collection method: clinical testing. Allele origin: germline. Affected: yes. Observed: 1 variant allele.
Comment: DKK2: BS2

NC_000004.12:g.107308018_107308019dup

Gene: DKK2 (dickkopf Wnt signaling pathway inhibitor 2; minus strand). Cytogenetic location: 4q25.
Variant type: Duplication.
Genome position: GRCh38 VCF-style: chr4-107308017-C-CAT. GRCh37 (hg19) VCF-style: chr4-108229174-C-CAT.
Identifiers: ClinVar variation 2655009 (VCV002655009.24), dbSNP rs796663672, ClinGen allele CA103534053.